The following is an entry in ClinVar:

ClinVar aggregate classification (germline): Uncertain significance (1 of 4 stars; one submission).

Conditions:
Cardiovascular phenotype. Identifiers: MedGen CN230736.

Submission:

Ambry Genetics
Classification: Uncertain significance for Cardiovascular phenotype. Last evaluated: 2026-09-08. Review status: criteria provided, single submitter. Criteria: Ambry Variant Classification Scheme 2023. Collection method: clinical testing. Allele origin: germline.
Comment: The p.T11S variant (also known as c.32C>G), located in coding exon 1 of the CACNB2 gene, results from a C to G substitution at nucleotide position 32. The threonine at codon 11 is replaced by serine, an amino acid with similar properties. This amino acid position is well conserved in available vertebrate species. In addition, this alteration is predicted to be tolerated by in silico analysis. The evidence for this gene-disease relationship is limited; therefore, the clinical significance of this variant is unclear.

NM_201590.3(CACNB2):c.32C>G (p.Thr11Ser)

Gene: CACNB2 (calcium voltage-gated channel auxiliary subunit beta 2; plus strand). Cytogenetic location: 10p12.32.
Variant type: single nucleotide variant.
Coding change: c.32C>G on transcript NM_201590.3 (MANE Plus Clinical); coding-DNA position 32, C replaced by G.
Protein change: p.Thr11Ser; replaces threonine 11 with serine.
Molecular consequence: missense variant. On other transcripts: intron variant (8).
Genome position (GRCh38, 1-based): chr10:18,340,958, C>G. VCF-style: chr10-18340958-C-G. GRCh37 (hg19) VCF-style: chr10-18629887-C-G.
Other names: c.130-60966C>G (NM_201571.4, NM_001167945.2, NM_201572.4); c.214-60966C>G (NM_201596.3, NM_201593.3, NM_201597.3); c.49-60966C>G (NM_000724.4, NM_001330060.2); short protein forms T11S.
Identifiers: ClinVar variation 5033654 (VCV005033654.1).